The following is an entry in ClinVar:

NM_080911.3(UNG):c.891dup (p.Glu298Ter)

Gene: UNG (uracil DNA glycosylase; plus strand). Cytogenetic location: 12q24.11.
Variant type: Duplication.
Coding change: c.891dup on transcript NM_080911.3 (MANE Select); coding-DNA position 891, one base duplicated (T; older notation c.891dupT).
Protein change: p.Glu298Ter; replaces glutamic acid 298 with a stop codon.
Molecular consequence: nonsense.
Genome position (GRCh38, 1-based): chr12:109,109,918, T duplicated. VCF-style (leftmost placement, unchanged base first): chr12-109109917-A-AT. GRCh37 (hg19) VCF-style: chr12-109547722-A-AT.
Other names: c.864dup, p.Glu289Ter (NM_003362.4); short protein forms E289*, E298*.
Identifiers: ClinVar variation 1020666 (VCV001020666.6), dbSNP rs2042248475, ClinGen allele CA2062266360.

ClinVar aggregate classification (germline): Uncertain significance (1 of 4 stars; one submission).

Conditions:
Hyper-IgM syndrome type 5 (HIGM5). Also called: Hyper-IgM Immunodeficiency Syndrome, Type 5. Identifiers: Orphanet 101092, MedGen C1720958, MONDO:0011971, OMIM 608106.

Submission:

Labcorp Genetics (formerly Invitae), Labcorp
Classification: Uncertain significance for Hyper-IgM syndrome type 5. Last evaluated: 2022-09-26. Review status: criteria provided, single submitter. Criteria: Invitae Variant Classification Sherloc (09022015). Collection method: clinical testing. Allele origin: germline.
Comment: This sequence change creates a premature translational stop signal (p.Glu298*) in the UNG gene. While this is not anticipated to result in nonsense mediated decay, it is expected to disrupt the last 16 amino acid(s) of the UNG protein. This variant is not present in population databases (gnomAD no frequency). This variant has not been reported in the literature in individuals affected with UNG-related conditions. ClinVar contains an entry for this variant (Variation ID: 1020666). Experimental studies and prediction algorithms are not available or were not evaluated, and the functional significance of this variant is currently unknown. In summary, the available evidence is currently insufficient to determine the role of this variant in disease. Therefore, it has been classified as a Variant of Uncertain Significance.